The following is an entry in ClinVar:

ClinVar aggregate classification (germline): Pathogenic/Likely pathogenic. Review status: criteria provided, multiple submitters, no conflicts (2 of 4 stars). 2 submissions from 2 submitters: Pathogenic (1); Likely pathogenic (1). Last evaluated 2025-09-28.

Conditions:
Lethal congenital contractural syndrome Finnish type.

gnomAD v4.1: 6 of 1,613,530 alleles (0.00037%); highest among the groups gnomAD compares: Non-Finnish European, 0.00051%; no homozygotes.

Submissions (2):

Natera, Inc.
Classification: Likely pathogenic for Lethal congenital contractural syndrome Finnish type. Last evaluated: 2025-09-28. Review status: criteria provided, single submitter. Criteria: Natera Variant Classification Schema (03/2026). Collection method: clinical testing. Allele origin: germline.
Comment: The c.1768C>T variant in GLE1 is a nonsense variant predicted to introduce a stop codon at amino acid 590. This variant is expected to result in nonsense mediated decay, truncation, or a dysfunctional protein product. This variant is rare in the general population with a frequency below the threshold expected for the associated phenotype(s). Given the available evidence, this variant is classified as Likely Pathogenic.

Labcorp Genetics (formerly Invitae), Labcorp
Classification: Pathogenic. Last evaluated: 2023-07-24. Review status: criteria provided, single submitter. Criteria: Invitae Variant Classification Sherloc (09022015). Collection method: clinical testing. Allele origin: germline.
Comment: This sequence change creates a premature translational stop signal (p.Arg590*) in the GLE1 gene. It is expected to result in an absent or disrupted protein product. Loss-of-function variants in GLE1 are known to be pathogenic (PMID: 18204449, 24243016, 27684565). This variant is not present in population databases (gnomAD no frequency). This variant has not been reported in the literature in individuals affected with GLE1-related conditions. ClinVar contains an entry for this variant (Variation ID: 835117). For these reasons, this variant has been classified as Pathogenic.

Literature cited by the submitters: PubMed 18204449 (cited by Labcorp Genetics (formerly Invitae), Labcorp); PubMed 24243016 (cited by Labcorp Genetics (formerly Invitae), Labcorp); PubMed 27684565 (cited by Labcorp Genetics (formerly Invitae), Labcorp).

NM_001003722.2(GLE1):c.1768C>T (p.Arg590Ter)

Genes: GLE1 (GLE1 RNA export mediator; plus strand), LOC101929270 (uncharacterized LOC101929270; minus strand). Cytogenetic location: 9q34.11.
Variant type: single nucleotide variant.
Coding change: c.1768C>T on transcript NM_001003722.2 (MANE Select); coding-DNA position 1768, C replaced by T.
Protein change: p.Arg590Ter; replaces arginine 590 with a stop codon.
Molecular consequence: nonsense.
Genome position (GRCh38, 1-based): chr9:128,536,476, C>T. VCF-style: chr9-128536476-C-T. GRCh37 (hg19) VCF-style: chr9-131298755-C-T.
Other names: c.1768C>T, p.Arg590Ter (NM_001499.2); short protein forms R590*.
Identifiers: ClinVar variation 835117 (VCV000835117.10), dbSNP rs145991345, ClinGen allele CA375045158.